The following is an entry in ClinVar:

ClinVar aggregate classification (germline): Uncertain significance (1 of 4 stars; one submission).

Conditions:
Early Myoclonic Encephalopathy. Identifiers: MedGen C0270855.

Allele frequency attached by ClinVar (database versions not stated): gnomAD exomes 0.00001.
gnomAD v4.1: 8 of 1,607,160 alleles (0.0005%); highest among the groups gnomAD compares: Non-Finnish European, 0.00068%; no homozygotes.

Submission:

Labcorp Genetics (formerly Invitae), Labcorp
Classification: Uncertain significance for Early Myoclonic Encephalopathy. Last evaluated: 2022-08-09. Review status: criteria provided, single submitter. Criteria: Invitae Variant Classification Sherloc (09022015). Collection method: clinical testing. Allele origin: germline.
Comment: In summary, the available evidence is currently insufficient to determine the role of this variant in disease. Therefore, it has been classified as a Variant of Uncertain Significance. Algorithms developed to predict the effect of missense changes on protein structure and function are either unavailable or do not agree on the potential impact of this missense change (SIFT: "Deleterious"; PolyPhen-2: "Benign"; Align-GVGD: "Class C0"). ClinVar contains an entry for this variant (Variation ID: 859082). This variant has not been reported in the literature in individuals affected with JMJD1C-related conditions. This variant is present in population databases (no rsID available, gnomAD 0.007%). This sequence change replaces serine, which is neutral and polar, with alanine, which is neutral and non-polar, at codon 373 of the JMJD1C protein (p.Ser373Ala).

NM_032776.3(JMJD1C):c.1117T>G (p.Ser373Ala)

Gene: JMJD1C (jumonji domain containing 1C; minus strand). Cytogenetic location: 10q21.3.
Variant type: single nucleotide variant.
Coding change: c.1117T>G on transcript NM_032776.3 (MANE Select); coding-DNA position 1117, T replaced by G.
Protein change: p.Ser373Ala; replaces serine 373 with alanine.
Molecular consequence: missense variant. On other transcripts: non-coding transcript variant (1).
Genome position (GRCh38, 1-based): chr10:63,215,050, A>C on the plus strand (T>G on the coding strand, the complement: JMJD1C is on the minus strand). VCF-style: chr10-63215050-A-C. GRCh37 (hg19) VCF-style: chr10-64974810-A-C.
Other names: c.571T>G, p.Ser191Ala (NM_001282948.2, NM_001318154.2); c.253T>G, p.Ser85Ala (NM_001318153.2); c.1003T>G, p.Ser335Ala (NM_001322252.2); c.460T>G, p.Ser154Ala (NM_001322254.2, NM_001322258.2); short protein forms S335A, S154A, S191A, S373A, S85A.
Identifiers: ClinVar variation 859082 (VCV000859082.9), dbSNP rs1410366727, ClinGen allele CA377050523.